The following is an entry in ClinVar:

NM_007202.4(AKAP10):c.850A>G (p.Lys284Glu)

Gene: AKAP10 (A-kinase anchoring protein 10; minus strand). Cytogenetic location: 17p11.2.
Variant type: single nucleotide variant.
Coding change: c.850A>G on transcript NM_007202.4 (MANE Select); coding-DNA position 850, A replaced by G.
Protein change: p.Lys284Glu; replaces lysine 284 with glutamic acid.
Molecular consequence: missense variant.
Genome position (GRCh38, 1-based): chr17:19,958,041, T>C on the plus strand (A>G on the coding strand, the complement: AKAP10 is on the minus strand). VCF-style: chr17-19958041-T-C. GRCh37 (hg19) VCF-style: chr17-19861354-T-C.
Other names: c.850A>G, p.Lys284Glu (NM_001330152.2); short protein forms K284E.
Identifiers: ClinVar variation 1327130 (VCV001327130.2), dbSNP rs985236104, ClinGen allele CA288923862.

ClinVar aggregate classification (germline): Uncertain significance (1 of 4 stars; one submission).

Conditions:
SUDDEN INFANT DEATH SYNDROME (SIDS). Also called: Sudden Infant Death. Identifiers: MedGen C0038644, MeSH D013398, OMIM 272120.

Allele frequency attached by ClinVar (database versions not stated): gnomAD exomes below 0.00001; gnomAD 0.00001; TOPMed 0.00002.
gnomAD v4.1: 3 of 1,612,152 alleles (0.00019%); highest among the groups gnomAD compares: African/African-American, 0.004%; no homozygotes.

Submission:

Robert's Program, Boston Children's Hospital
Classification: Uncertain significance for SUDDEN INFANT DEATH SYNDROME. Last evaluated: 2021-10-01. Review status: criteria provided, single submitter. Criteria: ACMG Guidelines, 2015. Collection method: research. Allele origin: germline. Affected: yes.
Comment: We classify this variant as a variant of uncertain significance using ACMG/AMP criteria. As this variant has been validated in an exome-wide approach, we suspect this variant is favoring pathogenic.